The following is an entry in ClinVar:

NM_000069.3(CACNA1S):c.4255C>T (p.His1419Tyr)

Gene: CACNA1S (calcium voltage-gated channel subunit alpha1 S; minus strand). Cytogenetic location: 1q32.1.
Variant type: single nucleotide variant.
Coding change: c.4255C>T on transcript NM_000069.3 (MANE Select); coding-DNA position 4255, C replaced by T.
Protein change: p.His1419Tyr; replaces histidine 1419 with tyrosine.
Molecular consequence: missense variant.
Genome position (GRCh38, 1-based): chr1:201,049,086, G>A on the plus strand (C>T on the coding strand, the complement: CACNA1S is on the minus strand). VCF-style: chr1-201049086-G-A. GRCh37 (hg19) VCF-style: chr1-201018214-G-A.
Other names: short protein forms H1419Y.
Identifiers: ClinVar variation 1364264 (VCV001364264.10), dbSNP rs1346780583, ClinGen allele CA344146524.

ClinVar aggregate classification (germline): Uncertain significance. Review status: criteria provided, multiple submitters, no conflicts (2 of 4 stars). 3 submissions from 3 submitters: Uncertain significance (3). Last evaluated 2024-07-23.

Conditions:
Hypokalemic periodic paralysis, type 1. Also called: Hypokalemic Periodic Paralysis Type 1 (AD); HypoPP. Identifiers: Orphanet 681, MedGen C3714580, MONDO:0042979, OMIM 170400.
Malignant hyperthermia, susceptibility to, 5 (MHS5). Also called: CACNA1S-Related Malignant Hyperthermia Susceptibility. Identifiers: Orphanet 423, MedGen C1866077, MONDO:0011163, OMIM 601887.
Congenital myopathy 18. Also called: Myopathy, congenital, due to dihydropyridine receptor defect; DIHYDROPYRIDINE RECEPTOR CONGENITAL MYOPATHY; DHPR CONGENITAL MYOPATHY. Identifiers: MedGen C5830283, MONDO:0859514, OMIM 620246.
Thyrotoxic periodic paralysis, susceptibility to, 1 (TTPP1). Identifiers: Orphanet 79102, MedGen C2749982, MONDO:0008570, OMIM 188580.

Allele frequency attached by ClinVar (database versions not stated): gnomAD exomes below 0.00001; TOPMed below 0.00001; gnomAD 0.00001.
gnomAD v4.1: 4 of 1,612,268 alleles (0.00025%); highest among the groups gnomAD compares: Non-Finnish European, 0.00025%; no homozygotes.

Submissions (3):

Labcorp Genetics (formerly Invitae), Labcorp
Classification: Uncertain significance for Hypokalemic periodic paralysis, type 1; Malignant hyperthermia, susceptibility to, 5. Last evaluated: 2024-07-23. Review status: criteria provided, single submitter. Criteria: Invitae Variant Classification Sherloc (09022015). Collection method: clinical testing. Allele origin: germline.
Comment: This sequence change replaces histidine, which is basic and polar, with tyrosine, which is neutral and polar, at codon 1419 of the CACNA1S protein (p.His1419Tyr). This variant is not present in population databases (gnomAD no frequency). This variant has not been reported in the literature in individuals affected with CACNA1S-related conditions. ClinVar contains an entry for this variant (Variation ID: 1364264). Advanced modeling of protein sequence and biophysical properties (such as structural, functional, and spatial information, amino acid conservation, physicochemical variation, residue mobility, and thermodynamic stability) performed at Invitae indicates that this missense variant is not expected to disrupt CACNA1S protein function with a negative predictive value of 80%. In summary, the available evidence is currently insufficient to determine the role of this variant in disease. Therefore, it has been classified as a Variant of Uncertain Significance.

Fulgent Genetics
Classification: Uncertain significance for Hypokalemic periodic paralysis, type 1; Thyrotoxic periodic paralysis, susceptibility to, 1; Malignant hyperthermia, susceptibility to, 5; Congenital myopathy 18. Last evaluated: 2024-05-28. Review status: criteria provided, single submitter. Criteria: ACMG Guidelines, 2015. Collection method: clinical testing. Allele origin: germline.

Color Diagnostics, LLC DBA Color Health
Classification: Uncertain significance for Malignant hyperthermia, susceptibility to, 5. Last evaluated: 2023-10-11. Review status: criteria provided, single submitter. Criteria: ACMG Guidelines, 2015. Collection method: clinical testing. Allele origin: germline.
Comment: This missense variant replaces histidine with tyrosine at codon 1419 of the CACNA1S protein. Computational prediction suggests that this variant may not impact protein structure and function. To our knowledge, functional studies have not been reported for this variant. This variant has not been reported in individuals affected with CACNA1S-related disorders in the literature. This variant has not been identified in the general population by the Genome Aggregation Database (gnomAD). The available evidence is insufficient to determine the role of this variant in disease conclusively. Therefore, this variant is classified as a Variant of Uncertain Significance.